The following is an entry in ClinVar:

NM_001211.6(BUB1B):c.2044T>A (p.Ser682Thr)

Gene: BUB1B (BUB1 mitotic checkpoint serine/threonine kinase B; plus strand). Cytogenetic location: 15q15.1.
Variant type: single nucleotide variant.
Coding change: c.2044T>A on transcript NM_001211.6 (MANE Select); coding-DNA position 2044, T replaced by A.
Protein change: p.Ser682Thr; replaces serine 682 with threonine.
Molecular consequence: missense variant.
Genome position (GRCh38, 1-based): chr15:40,208,671, T>A. VCF-style: chr15-40208671-T-A. GRCh37 (hg19) VCF-style: chr15-40500872-T-A.
Other names: short protein forms S682T.
Identifiers: ClinVar variation 1784949 (VCV001784949.2), dbSNP rs1271434927, ClinGen allele CA391693404.
Genomic context (GRCh38, chr15:40,208,671, plus strand): 5'-AATTAACTTATTTTTGATTCTTTTAGCCCAATTATTGAAGACAGTCGTGAAGCCACACAC[T>A]CCTCTGGCTTCTCTGGTTCTTCTGCCTCGGTTGCAAGCACCTCCTCCATCAAATGTCTTC-3'
Protein context (NP_001202.5, residues 672-692): IIEDSREATH[Ser682Thr]SGFSGSSASV

ClinVar aggregate classification (germline): Uncertain significance (1 of 4 stars; one submission).

Conditions:
Inborn genetic diseases. Identifiers: MedGen C0950123, MeSH D030342.

Allele frequency attached by ClinVar (database versions not stated): gnomAD exomes below 0.00001.

Submission:

Ambry Genetics
Classification: Uncertain significance for Inborn genetic diseases. Last evaluated: 2021-12-11. Review status: criteria provided, single submitter. Criteria: Ambry Variant Classification Scheme 2023. Collection method: clinical testing. Allele origin: germline.
Comment: The p.S682T variant (also known as c.2044T>A), located in coding exon 16 of the BUB1B gene, results from a T to A substitution at nucleotide position 2044. The serine at codon 682 is replaced by threonine, an amino acid with similar properties. This amino acid position is conserved. In addition, this alteration is predicted to be tolerated by in silico analysis. Since supporting evidence is limited at this time, the clinical significance of this alteration remains unclear.